The following is an entry in ClinVar:

ClinVar aggregate classification (germline): Benign. Review status: criteria provided, multiple submitters, no conflicts (2 of 4 stars). 7 submissions from 7 submitters: Benign (4). 3 of the submissions do not count toward it. Last evaluated 2026-01-21.

Conditions:
Retinitis pigmentosa (RP). Identifiers: Orphanet 791, MedGen C0035334, MeSH D012174, MONDO:0019200, OMIM 268000. Inheritance: Autosomal dominant, autosomal recessive and X linked inheritance.
Retinitis pigmentosa 1 (RP1). Identifiers: Orphanet 791, MedGen C0220701, MONDO:0008377, OMIM 180100.

Allele frequency attached by ClinVar (database versions not stated): gnomAD exomes 0.00220; ExAC 0.00272; 1000 Genomes Project 30x 0.00718; 1000 Genomes Project 0.00759; gnomAD 0.00771 and 0.00832; TOPMed 0.00875; ESP Exome Variant Server 0.00939.
gnomAD v4.1: 2,386 of 1,612,770 alleles (0.15%); highest among the groups gnomAD compares: African/African-American, 2.7%; 36 homozygotes.

Submissions (7):

Labcorp Genetics (formerly Invitae), Labcorp
Classification: Benign. Last evaluated: 2026-01-21. Review status: criteria provided, single submitter. Criteria: Invitae Variant Classification Sherloc (09022015). Collection method: clinical testing. Allele origin: germline.

ARUP Laboratories, Molecular Genetics and Genomics, ARUP Laboratories
Classification: Benign for Retinitis pigmentosa 1. Last evaluated: 2018-09-14. Review status: criteria provided, single submitter. Criteria: ARUP Molecular Germline Variant Investigation Process. Collection method: clinical testing. Allele origin: germline.

Illumina Laboratory Services, Illumina
Classification: Benign for Retinitis pigmentosa. Last evaluated: 2018-03-06. Review status: criteria provided, single submitter. Criteria: ICSL Variant Classification Criteria 13 December 2019. Collection method: clinical testing. Allele origin: germline.
Comment: This variant was observed in the ICSL laboratory as part of a predisposition screen in an ostensibly healthy population. It had not been previously curated by ICSL or reported in the Human Gene Mutation Database (HGMD: prior to June 1st, 2018), and was therefore a candidate for classification through an automated scoring system. Utilizing variant allele frequency, disease prevalence and penetrance estimates, and inheritance mode, an automated score was calculated to assess if this variant is too frequent to cause the disease. Based on the score and internal cut-off values, a variant classified as benign is not then subjected to further curation. The score for this variant resulted in a classification of benign for this disease.

Breakthrough Genomics
Classification: Benign. Review status: criteria provided, single submitter. Criteria: ACMG Guidelines, 2015. Collection method: not provided. Allele origin: germline. Inheritance: Autosomal dominant inheritance. Affected: yes.

Clinical Genetics DNA and cytogenetics Diagnostics Lab, Erasmus MC, Erasmus Medical Center
Classification: Likely benign. Review status: no assertion criteria provided. Collection method: clinical testing. Allele origin: germline. Affected: yes. Study: VKGL Data-share Consensus. Not counted in ClinVar's aggregate classification.

Clinical Genetics, Academic Medical Center
Classification: Benign. Review status: no assertion criteria provided. Collection method: clinical testing. Allele origin: germline. Affected: yes. Study: VKGL Data-share Consensus. Not counted in ClinVar's aggregate classification.

NEI Ophthalmic Genomics Laboratory, National Institutes of Health
No classification provided. Review status: no classification provided. Collection method: not provided. Allele origin: not provided. Not counted in ClinVar's aggregate classification.

NM_006269.2(RP1):c.2255C>T (p.Thr752Met)

Gene: RP1 (RP1 axonemal microtubule associated; plus strand). Cytogenetic location: 8q12.1.
Variant type: single nucleotide variant.
Coding change: c.2255C>T on transcript NM_006269.2 (MANE Select); coding-DNA position 2255, C replaced by T.
Protein change: p.Thr752Met; replaces threonine 752 with methionine.
Molecular consequence: missense variant.
Genome position (GRCh38, 1-based): chr8:54,626,137, C>T. VCF-style: chr8-54626137-C-T. GRCh37 (hg19) VCF-style: chr8-55538697-C-T.
Other names: short protein forms T752M.
Identifiers: ClinVar variation 100579 (VCV000100579.26), dbSNP rs28399531, ClinGen allele CA228913.